The following is an entry in ClinVar:

ClinVar aggregate classification (germline): Uncertain significance (1 of 4 stars; one submission).

Conditions:
AUTS2-related disorder. Also called: AUTS2-related condition.

Allele frequency attached by ClinVar (database versions not stated): ExAC 0.00001; gnomAD exomes 0.00001.
gnomAD v4.1: 6 of 1,614,094 alleles (0.00037%); highest among the groups gnomAD compares: South Asian, 0.0066%; no homozygotes.

Submission:

PreventionGenetics, part of Exact Sciences
Classification: Uncertain significance for AUTS2-related condition. Last evaluated: 2023-08-18. Review status: criteria provided, single submitter. Criteria: ACMG Guidelines, 2015. Collection method: clinical testing. Allele origin: germline.
Comment: The AUTS2 c.2159C>A variant is predicted to result in the amino acid substitution p.Pro720Gln. To our knowledge, this variant has not been reported in the literature. This variant is reported in 0.0% of alleles in individuals of African descent in gnomAD. At this time, the clinical significance of this variant is uncertain due to the absence of conclusive functional and genetic evidence.

NM_015570.4(AUTS2):c.2159C>A (p.Pro720Gln)

Gene: AUTS2 (activator of transcription and developmental regulator AUTS2; plus strand). Cytogenetic location: 7q11.22.
Variant type: single nucleotide variant.
Coding change: c.2159C>A on transcript NM_015570.4 (MANE Select); coding-DNA position 2159, C replaced by A.
Protein change: p.Pro720Gln; replaces proline 720 with glutamine.
Molecular consequence: missense variant.
Genome position (GRCh38, 1-based): chr7:70,784,954, C>A. VCF-style: chr7-70784954-C-A. GRCh37 (hg19) VCF-style: chr7-70249940-C-A.
Other names: c.2087C>A, p.Pro696Gln (NM_001127231.3); short protein forms P696Q, P720Q.
Identifiers: ClinVar variation 2631719 (VCV002631719.1), dbSNP rs748688052, ClinGen allele CA4280941.